The following is an entry in ClinVar:

NM_000037.4(ANK1):c.1094A>T (p.Asn365Ile)

Gene: ANK1 (ankyrin 1; minus strand). Cytogenetic location: 8p11.21.
Variant type: single nucleotide variant.
Coding change: c.1094A>T on transcript NM_000037.4 (MANE Select); coding-DNA position 1094, A replaced by T.
Protein change: p.Asn365Ile; replaces asparagine 365 with isoleucine.
Molecular consequence: missense variant.
Genome position (GRCh38, 1-based): chr8:41,719,674, T>A on the plus strand (A>T on the coding strand, the complement: ANK1 is on the minus strand). VCF-style: chr8-41719674-T-A. GRCh37 (hg19) VCF-style: chr8-41577192-T-A.
Other names: c.1193A>T, p.Asn398Ile (NM_001142446.2); c.1094A>T, p.Asn365Ile (NM_020475.3, NM_020476.3, NM_020477.3); short protein forms N365I, N398I.
Identifiers: ClinVar variation 3345263 (VCV003345263.1).

ClinVar aggregate classification (germline): Uncertain significance (0 of 4 stars; one submission).

Conditions:
ANK1-related disorder. Also called: ANK1-related condition.

Submission:

PreventionGenetics, part of Exact Sciences
Classification: Uncertain significance for ANK1-related condition. Last evaluated: 2024-04-17. Review status: no assertion criteria provided. Collection method: clinical testing. Allele origin: germline.
Comment: The ANK1 c.1094A>T variant is predicted to result in the amino acid substitution p.Asn365Ile. To our knowledge, this variant has not been reported in the literature or in a large population database, indicating this variant is rare. At this time, the clinical significance of this variant is uncertain due to the absence of conclusive functional and genetic evidence.